The following is an entry in ClinVar:

ClinVar aggregate classification (germline): Uncertain significance (1 of 4 stars; one submission).

Allele frequency attached by ClinVar (database versions not stated): gnomAD exomes below 0.00001; TOPMed 0.00001.
gnomAD v4.1: 1 of 1,604,944 alleles (0.000062%); highest among the groups gnomAD compares: Admixed American, 0.0017%; no homozygotes.

Submission:

Labcorp Genetics (formerly Invitae), Labcorp
Classification: Uncertain significance. Last evaluated: 2022-06-03. Review status: criteria provided, single submitter. Criteria: Invitae Variant Classification Sherloc (09022015). Collection method: clinical testing. Allele origin: germline.
Comment: This sequence change replaces glutamine, which is neutral and polar, with histidine, which is basic and polar, at codon 461 of the CEP78 protein (p.Gln461His). This variant also falls at the last nucleotide of exon 11, which is part of the consensus splice site for this exon. In summary, the available evidence is currently insufficient to determine the role of this variant in disease. Therefore, it has been classified as a Variant of Uncertain Significance. Variants that disrupt the consensus splice site are a relatively common cause of aberrant splicing (PMID: 17576681, 9536098). Algorithms developed to predict the effect of sequence changes on RNA splicing suggest that this variant may disrupt the consensus splice site. Algorithms developed to predict the effect of missense changes on protein structure and function are either unavailable or do not agree on the potential impact of this missense change (SIFT: "Deleterious"; PolyPhen-2: "Probably Damaging"; Align-GVGD: "Class C0"). ClinVar contains an entry for this variant (Variation ID: 967869). This variant has not been reported in the literature in individuals affected with CEP78-related conditions. This variant is present in population databases (no rsID available, gnomAD 0.003%).

Literature cited by the submitters: PubMed 17576681; PubMed 9536098.

NM_001330691.3(CEP78):c.1380G>C (p.Gln460His)

Gene: CEP78 (centrosomal protein 78; plus strand). Cytogenetic location: 9q21.2.
Variant type: single nucleotide variant.
Coding change: c.1380G>C on transcript NM_001330691.3 (MANE Select); coding-DNA position 1380, G replaced by C.
Protein change: p.Gln460His; replaces glutamine 460 with histidine.
Molecular consequence: missense variant.
Genome position (GRCh38, 1-based): chr9:78,254,964, G>C. VCF-style: chr9-78254964-G-C. GRCh37 (hg19) VCF-style: chr9-80869880-G-C.
Other names: c.1383G>C, p.Gln461His (NM_001098802.3, NM_001349839.2, NM_001349840.2 and 1 more transcripts); c.1380G>C, p.Gln460His (NM_001330693.3, NM_001330694.2, NM_001349838.2); short protein forms Q461H, Q460H.
Identifiers: ClinVar variation 967869 (VCV000967869.9), dbSNP rs1273046475, ClinGen allele CA373861475.